The following is an entry in ClinVar:

NM_003865.3(HESX1):c.448G>T (p.Asp150Tyr)

Gene: HESX1 (HESX homeobox 1; minus strand). Cytogenetic location: 3p14.3.
Variant type: single nucleotide variant.
Coding change: c.448G>T on transcript NM_003865.3 (MANE Select); coding-DNA position 448, G replaced by T.
Protein change: p.Asp150Tyr; replaces aspartic acid 150 with tyrosine.
Molecular consequence: missense variant. On other transcripts: non-coding transcript variant (1).
Genome position (GRCh38, 1-based): chr3:57,198,402, C>A on the plus strand (G>T on the coding strand, the complement: HESX1 is on the minus strand). VCF-style: chr3-57198402-C-A. GRCh37 (hg19) VCF-style: chr3-57232430-C-A.
Other names: c.448G>T, p.Asp150Tyr (NM_001376058.1, NM_001376059.1, NM_001376060.1 and 1 more transcripts); short protein forms D150Y.
Identifiers: ClinVar variation 3759859 (VCV003759859.2).

ClinVar aggregate classification (germline): Uncertain significance (1 of 4 stars; one submission).

Conditions:
Septo-optic dysplasia sequence (SOD). Also called: DE MORSIER SYNDROME; Septo-optic dysplasia. Identifiers: Orphanet 3157, MedGen C0338503, MONDO:0008428, OMIM 182230, HP:0100842.
GROWTH HORMONE DEFICIENCY WITH PITUITARY ANOMALIES. Identifiers: MedGen C2750027, OMIM 182230.

Submission:

Labcorp Genetics (formerly Invitae), Labcorp
Classification: Uncertain significance for GROWTH HORMONE DEFICIENCY WITH PITUITARY ANOMALIES; Septo-optic dysplasia sequence. Last evaluated: 2024-11-22. Review status: criteria provided, single submitter. Criteria: Invitae Variant Classification Sherloc (09022015). Collection method: clinical testing. Allele origin: germline.
Comment: This sequence change replaces aspartic acid, which is acidic and polar, with tyrosine, which is neutral and polar, at codon 150 of the HESX1 protein (p.Asp150Tyr). This variant is not present in population databases (gnomAD no frequency). This variant has not been reported in the literature in individuals affected with HESX1-related conditions. An algorithm developed to predict the effect of missense changes on protein structure and function (PolyPhen-2) suggests that this variant is likely to be disruptive. In summary, the available evidence is currently insufficient to determine the role of this variant in disease. Therefore, it has been classified as a Variant of Uncertain Significance.